The following is an entry in ClinVar:

ClinVar aggregate classification (germline): Uncertain significance (1 of 4 stars; one submission).

gnomAD v4.1: 3 of 1,209,987 alleles (0.00025%); highest among the groups gnomAD compares: Non-Finnish European, 0.00034%; no homozygotes.

Submission:

CeGaT Center for Human Genetics Tuebingen
Classification: Uncertain significance. Last evaluated: 2024-07-01. Review status: criteria provided, single submitter. Criteria: CeGaT Center For Human Genetics Tuebingen Variant Classification Criteria Version 2. Collection method: clinical testing. Allele origin: germline. Affected: yes. Observed: 1 variant allele.
Comment: DCX: PM2, BP4

NM_001195553.2(DCX):c.250C>T (p.Leu84=)

Gene: DCX (doublecortin; minus strand). Cytogenetic location: Xq23.
Variant type: single nucleotide variant.
Coding change: c.250C>T on transcript NM_001195553.2 (MANE Select); coding-DNA position 250, C replaced by T.
Protein change: p.Leu84=; no amino-acid change (leucine 84 retained).
Molecular consequence: synonymous variant.
Genome position (GRCh38, 1-based): chrX:111,410,149, G>A on the plus strand (C>T on the coding strand, the complement: DCX is on the minus strand). VCF-style: chrX-111410149-G-A. GRCh37 (hg19) VCF-style: chrX-110653377-G-A.
Other names: c.493C>T, p.Leu165= (NM_000555.3); c.250C>T, p.Leu84= (NM_001369370.1, NM_001369371.1, NM_001369372.1 and 6 more transcripts).
Identifiers: ClinVar variation 3257076 (VCV003257076.17).